The following is an entry in ClinVar:

ClinVar aggregate classification (germline): Pathogenic/Likely pathogenic. Review status: criteria provided, multiple submitters, no conflicts (2 of 4 stars). 3 submissions from 3 submitters: Pathogenic (1); Likely pathogenic (1). 1 of the submissions does not count toward it. Last evaluated 2025-01-15.

Conditions:
Mucolipidosis type II. Also called: Mucolipidosis 2; ML 2; Inclusion cell disease; Leroy Disease; N-acetylglucosamine 1phosphotransferase deficiency; ML disorder type 2. Identifiers: Orphanet 576, MedGen C2673377, MONDO:0009650, OMIM 252500.
Pseudo-Hurler polydystrophy. Also called: Type III Mucolipidosis; ML IIIA; Mucolipidosis III Alpha/Beta; MUCOLIPIDOSIS IIIA; ML III; ML III ALPHA/BETA. Identifiers: Orphanet 423461, Orphanet 577, MedGen C0033788, MONDO:0018931, OMIM 252600.

Submissions (3):

Labcorp Genetics (formerly Invitae), Labcorp
Classification: Pathogenic for Pseudo-Hurler polydystrophy; Mucolipidosis type II. Last evaluated: 2025-01-15. Review status: criteria provided, single submitter. Criteria: Invitae Variant Classification Sherloc (09022015). Collection method: clinical testing. Allele origin: germline.
Comment: This sequence change affects an acceptor splice site in intron 1 of the GNPTAB gene. It is expected to disrupt RNA splicing. Variants that disrupt the donor or acceptor splice site typically lead to a loss of protein function (PMID: 16199547), and loss-of-function variants in GNPTAB are known to be pathogenic (PMID: 19617216, 25107912). This variant is not present in population databases (gnomAD no frequency). Disruption of this splice site has been observed in individuals with clincial features of mucolipidosis II (PMID: 16630736, 27662472). ClinVar contains an entry for this variant (Variation ID: 38412). Algorithms developed to predict the effect of sequence changes on RNA splicing suggest that this variant may disrupt the consensus splice site. For these reasons, this variant has been classified as Pathogenic.

Revvity Omics, Revvity
Classification: Likely pathogenic. Last evaluated: 2021-11-17. Review status: criteria provided, single submitter. Criteria: ACMG Guidelines, 2015. Collection method: clinical testing. Allele origin: germline.

GeneReviews
Classification: Pathogenic for Mucolipidosis III Alpha/Beta. Last evaluated: 2012-05-10. Review status: no assertion criteria provided. Collection method: curation. Allele origin: unknown. Not counted in ClinVar's aggregate classification.
ClinVar note: Converted during submission from pathologic to Pathogenic.

Literature cited by the submitters: PubMed 16199547 (cited by Labcorp Genetics (formerly Invitae), Labcorp); PubMed 19617216 (cited by Labcorp Genetics (formerly Invitae), Labcorp); PubMed 25107912 (cited by Labcorp Genetics (formerly Invitae), Labcorp); PubMed 16630736 (cited by Labcorp Genetics (formerly Invitae), Labcorp); PubMed 27662472 (cited by Labcorp Genetics (formerly Invitae), Labcorp).

NM_024312.5(GNPTAB):c.118-2A>G

Gene: GNPTAB (N-acetylglucosamine-1-phosphate transferase subunits alpha and beta; minus strand). Cytogenetic location: 12q23.2.
Variant type: single nucleotide variant.
Coding change: c.118-2A>G on transcript NM_024312.5 (MANE Select); the canonical splice acceptor site of the intron before coding-DNA position 118, A replaced by G.
Molecular consequence: splice acceptor variant.
Genome position (GRCh38, 1-based): chr12:101,796,764, T>C on the plus strand (A>G on the coding strand, the complement: GNPTAB is on the minus strand). VCF-style: chr12-101796764-T-C. GRCh37 (hg19) VCF-style: chr12-102190542-T-C.
Other names: AY687932:c.118-2A>G.
Identifiers: ClinVar variation 38412 (VCV000038412.11), dbSNP rs281865023, ClinGen allele CA343060.